The following is an entry in ClinVar:

ClinVar aggregate classification (germline): Uncertain significance (1 of 4 stars; one submission).

Conditions:
Inborn genetic diseases. Identifiers: MedGen C0950123, MeSH D030342.

Submission:

Ambry Genetics
Classification: Uncertain significance for Inborn genetic diseases. Last evaluated: 2024-03-24. Review status: criteria provided, single submitter. Criteria: Ambry Variant Classification Scheme 2023. Collection method: clinical testing. Allele origin: germline.
Comment: The p.G213D variant (also known as c.638G>A), located in coding exon 6 of the EPAS1 gene, results from a G to A substitution at nucleotide position 638. The glycine at codon 213 is replaced by aspartic acid, an amino acid with similar properties. This amino acid position is conserved. In addition, this alteration is predicted to be tolerated by in silico analysis. Since supporting evidence is limited at this time, the clinical significance of this alteration remains unclear.

NM_001430.5(EPAS1):c.638G>A (p.Gly213Asp)

Genes: EPAS1 (endothelial PAS domain protein 1; plus strand), LOC126806210 (BRD4-independent group 4 enhancer GRCh37_chr2:46587586-46588785; plus strand). Cytogenetic location: 2p21.
Variant type: single nucleotide variant.
Coding change: c.638G>A on transcript NM_001430.5 (MANE Select); coding-DNA position 638, G replaced by A.
Protein change: p.Gly213Asp; replaces glycine 213 with aspartic acid.
Molecular consequence: missense variant.
Genome position (GRCh38, 1-based): chr2:46,360,949, G>A. VCF-style: chr2-46360949-G-A. GRCh37 (hg19) VCF-style: chr2-46588088-G-A.
Other names: short protein forms G213D.
Identifiers: ClinVar variation 1753226 (VCV001753226.2), dbSNP rs1684372836, ClinGen allele CA346699975.